The following is an entry in ClinVar:

NM_001303052.2(MYT1L):c.1231G>A (p.Asp411Asn)

Gene: MYT1L (myelin transcription factor 1 like; minus strand). Cytogenetic location: 2p25.3.
Variant type: single nucleotide variant.
Coding change: c.1231G>A on transcript NM_001303052.2 (MANE Select); coding-DNA position 1231, G replaced by A.
Protein change: p.Asp411Asn; replaces aspartic acid 411 with asparagine.
Molecular consequence: missense variant.
Genome position (GRCh38, 1-based): chr2:1,922,538, C>T on the plus strand (G>A on the coding strand, the complement: MYT1L is on the minus strand). VCF-style: chr2-1922538-C-T. GRCh37 (hg19) VCF-style: chr2-1926310-C-T.
Other names: c.1231G>A, p.Asp411Asn (NM_001329847.2, NM_001329848.1, NM_001329849.3 and 6 more transcripts); short protein forms D411N.
Identifiers: ClinVar variation 4880860 (VCV004880860.2).

ClinVar aggregate classification (germline): Uncertain significance (1 of 4 stars; one submission).

Conditions:
Intellectual developmental disorder, autosomal dominant 39. Also called: Mental retardation, autosomal dominant 39; Intellectual disability, autosomal dominant 39. Identifiers: MedGen C4225296, MONDO:0014678, OMIM 616521.

gnomAD v4.1: 5 of 1,613,842 alleles (0.00031%); highest among the groups gnomAD compares: Non-Finnish European, 0.00042%; no homozygotes.

Submission:

Dasa
Classification: Uncertain significance for Intellectual developmental disorder, autosomal dominant 39. Last evaluated: 2025-08-23. Review status: criteria provided, single submitter. Criteria: DASA Assertion Criteria. Collection method: clinical testing. Allele origin: germline.
Comment: NM_001303052.2(MYT1L):c.1231G>A (p.Asp411Asn) is a missense variant that results in the substitution of aspartic acid with asparagine. This variant is rare in population databases. The currently available literature and clinical evidence are not sufficient to establish a definitive association between this variant and the reported condition. Therefore, this variant is classified as a variant of uncertain significance.